The following is an entry in ClinVar:

ClinVar aggregate classification (germline): Uncertain significance (1 of 4 stars; one submission).

Conditions:
Xanthinuria type II. Also called: Xanthine dehydrogenase and aldehyde oxidase combined deficiency of; XDH and AOX dual deficiency. Identifiers: Orphanet 3467, Orphanet 93602, MedGen C1863688, MONDO:0011346, OMIM 603592.

Allele frequency attached by ClinVar (database versions not stated): gnomAD exomes below 0.00001.
gnomAD v4.1: 2 of 1,614,136 alleles (0.00012%); highest among the groups gnomAD compares: Non-Finnish European, 0.00017%; no homozygotes.

Submission:

Labcorp Genetics (formerly Invitae), Labcorp
Classification: Uncertain significance for Xanthinuria type II. Last evaluated: 2024-02-24. Review status: criteria provided, single submitter. Criteria: Invitae Variant Classification Sherloc (09022015). Collection method: clinical testing. Allele origin: germline.
Comment: This sequence change falls in intron 13 of the MOCOS gene. It does not directly change the encoded amino acid sequence of the MOCOS protein. It affects a nucleotide within the consensus splice site. This variant is present in population databases (no rsID available, gnomAD 0.0009%). This variant has not been reported in the literature in individuals affected with MOCOS-related conditions. ClinVar contains an entry for this variant (Variation ID: 1469520). Variants that disrupt the consensus splice site are a relatively common cause of aberrant splicing (PMID: 17576681, 9536098). Algorithms developed to predict the effect of sequence changes on RNA splicing suggest that this variant is not likely to affect RNA splicing. In summary, the available evidence is currently insufficient to determine the role of this variant in disease. Therefore, it has been classified as a Variant of Uncertain Significance.

Literature cited by the submitters: PubMed 17576681; PubMed 9536098.

NM_017947.4(MOCOS):c.2409+5G>T

Gene: MOCOS (molybdenum cofactor sulfurase; plus strand). Cytogenetic location: 18q12.2.
Variant type: single nucleotide variant.
Coding change: c.2409+5G>T on transcript NM_017947.4 (MANE Select); 5 bases into the intron after coding-DNA position 2409, G replaced by T.
Molecular consequence: intron variant.
Genome position (GRCh38, 1-based): chr18:36,260,180, G>T. VCF-style: chr18-36260180-G-T. GRCh37 (hg19) VCF-style: chr18-33840143-G-T.
Identifiers: ClinVar variation 1469520 (VCV001469520.6), dbSNP rs1462309469, ClinGen allele CA629423984.